The following is an entry in ClinVar:

ClinVar aggregate classification (germline): Uncertain significance (1 of 4 stars; one submission).

Conditions:
Primary ciliary dyskinesia 6. Also called: Primary Ciliary Dyskinesia 6: TXNDC3-Related Primary Ciliary Dyskinesia. Identifiers: Orphanet 244, MedGen C1970506, MONDO:0012571, OMIM 610852.

gnomAD v4.1: 2 of 1,609,598 alleles (0.00012%); highest among the groups gnomAD compares: South Asian, 0.0011%; no homozygotes.

Submission:

Labcorp Genetics (formerly Invitae), Labcorp
Classification: Uncertain significance for Primary ciliary dyskinesia 6. Last evaluated: 2024-10-03. Review status: criteria provided, single submitter. Criteria: Invitae Variant Classification Sherloc (09022015). Collection method: clinical testing. Allele origin: germline.
Comment: This sequence change replaces proline, which is neutral and non-polar, with leucine, which is neutral and non-polar, at codon 84 of the NME8 protein (p.Pro84Leu). This variant is not present in population databases (gnomAD no frequency). This variant has not been reported in the literature in individuals affected with NME8-related conditions. Invitae Evidence Modeling of protein sequence and biophysical properties (such as structural, functional, and spatial information, amino acid conservation, physicochemical variation, residue mobility, and thermodynamic stability) indicates that this missense variant is expected to disrupt NME8 protein function with a positive predictive value of 80%. In summary, the available evidence is currently insufficient to determine the role of this variant in disease. Therefore, it has been classified as a Variant of Uncertain Significance.

NM_016616.5(NME8):c.251C>T (p.Pro84Leu)

Gene: NME8 (NME/NM23 family member 8; plus strand). Cytogenetic location: 7p14.1.
Variant type: single nucleotide variant.
Coding change: c.251C>T on transcript NM_016616.5 (MANE Select); coding-DNA position 251, C replaced by T.
Protein change: p.Pro84Leu; replaces proline 84 with leucine.
Molecular consequence: missense variant.
Genome position (GRCh38, 1-based): chr7:37,857,326, C>T. VCF-style: chr7-37857326-C-T. GRCh37 (hg19) VCF-style: chr7-37896928-C-T.
Other names: short protein forms P84L.
Identifiers: ClinVar variation 3665529 (VCV003665529.2).
Genomic context (GRCh38, chr7:37,857,326, plus strand): 5'-TTTTCCAGGCAGAAGCTGACAACATTGTGACTTTGCAGCCATTTAGAGATAAATGTGAAC[C>T]TGTTTTTCTCTTTAGTGTTGTAAGTATATTTACTTTCTCAATTGCATTATCAGATTCCAG-3'
Protein context (NP_057700.3, residues 74-94): TLQPFRDKCE[Pro84Leu]VFLFSVNGKI